The following is an entry in ClinVar:

NM_058216.3(RAD51C):c.238G>T (p.Glu80Ter)

Gene: RAD51C (RAD51 paralog C; plus strand). Cytogenetic location: 17q22.
Variant type: single nucleotide variant.
Coding change: c.238G>T on transcript NM_058216.3 (MANE Select); coding-DNA position 238, G replaced by T.
Protein change: p.Glu80Ter; replaces glutamic acid 80 with a stop codon.
Molecular consequence: nonsense. On other transcripts: non-coding transcript variant (2).
Genome position (GRCh38, 1-based): chr17:58,695,023, G>T. VCF-style: chr17-58695023-G-T. GRCh37 (hg19) VCF-style: chr17-56772384-G-T.
Other names: c.238G>T, p.Glu80Ter (NM_002876.4, NM_058217.1); short protein forms E80*.
Identifiers: ClinVar variation 3148336 (VCV003148336.3), dbSNP rs1413186293, ClinGen allele CA400340278.

ClinVar aggregate classification (germline): Pathogenic. Review status: criteria provided, multiple submitters, no conflicts (2 of 4 stars). 2 submissions from 2 submitters: Pathogenic (2). Last evaluated 2025-01-14.

Conditions:
Fanconi anemia complementation group O. Also called: RAD51C-Related Fanconi Anemia. Identifiers: Orphanet 84, MedGen C3150653, MONDO:0013248, OMIM 613390.
Breast-ovarian cancer, familial, susceptibility to, 3. Also called: RAD51C-Related Breast/Ovarian Cancer. Identifiers: Orphanet 145, MedGen C3150659, MONDO:0013253, OMIM 613399.

Allele frequency attached by ClinVar (database versions not stated): gnomAD exomes below 0.00001.
gnomAD v4.1: 3 of 1,614,066 alleles (0.00019%); no homozygotes.

Submissions (2):

Labcorp Genetics (formerly Invitae), Labcorp
Classification: Pathogenic for Fanconi anemia complementation group O. Last evaluated: 2025-01-14. Review status: criteria provided, single submitter. Criteria: Invitae Variant Classification Sherloc (09022015). Collection method: clinical testing. Allele origin: germline.
Comment: This sequence change creates a premature translational stop signal (p.Glu80*) in the RAD51C gene. It is expected to result in an absent or disrupted protein product. Loss-of-function variants in RAD51C are known to be pathogenic (PMID: 20400964, 21990120, 24800917, 29278735). This variant is present in population databases (no rsID available, gnomAD 0.004%). This variant has not been reported in the literature in individuals affected with RAD51C-related conditions. ClinVar contains an entry for this variant (Variation ID: 3148336). RNA analysis performed to evaluate the impact of this premature translational stop signal on mRNA splicing indicates it does not significantly alter splicing (internal data). For these reasons, this variant has been classified as Pathogenic.

Myriad Genetics, Inc.
Classification: Pathogenic for Breast-ovarian cancer, familial, susceptibility to, 3. Last evaluated: 2024-01-02. Review status: criteria provided, single submitter. Criteria: Myriad Autosomal Dominant, Autosomal Recessive and X-Linked Classification Criteria (2023). Collection method: clinical testing. Allele origin: unknown.
Comment: This variant is considered pathogenic. This variant creates a termination codon and is predicted to result in premature protein truncation.

Literature cited by the submitters: PubMed 20400964 (cited by Labcorp Genetics (formerly Invitae), Labcorp); PubMed 21990120 (cited by Labcorp Genetics (formerly Invitae), Labcorp); PubMed 24800917 (cited by Labcorp Genetics (formerly Invitae), Labcorp); PubMed 29278735 (cited by Labcorp Genetics (formerly Invitae), Labcorp).